The following is an entry in ClinVar:

NM_001035.3(RYR2):c.13490G>A (p.Arg4497His)

Gene: RYR2 (ryanodine receptor 2; plus strand). Cytogenetic location: 1q43.
Variant type: single nucleotide variant.
Coding change: c.13490G>A on transcript NM_001035.3 (MANE Select); coding-DNA position 13490, G replaced by A.
Protein change: p.Arg4497His; replaces arginine 4497 with histidine.
Molecular consequence: missense variant.
Genome position (GRCh38, 1-based): chr1:237,791,442, G>A. VCF-style: chr1-237791442-G-A. GRCh37 (hg19) VCF-style: chr1-237954742-G-A.
Other names: short protein forms R4497H.
Identifiers: ClinVar variation 1410221 (VCV001410221.7), dbSNP rs867681818, ClinGen allele CA39831852.

ClinVar aggregate classification (germline): Uncertain significance (1 of 4 stars; one submission).

Conditions:
Catecholaminergic polymorphic ventricular tachycardia 1. Also called: RYR2-Related Catecholaminergic Polymorphic Ventricular Tachycardia; VENTRICULAR TACHYCARDIA, STRESS-INDUCED POLYMORPHIC 1; VENTRICULAR TACHYCARDIA, CATECHOLAMINERGIC POLYMORPHIC, 1, WITH OR WITHOUT ATRIAL DYSFUNCTION AND/OR DILATED CARDIOMYOPATHY. Identifiers: Orphanet 3286, MedGen C1631597, MONDO:0011484, OMIM 604772.

Allele frequency attached by ClinVar (database versions not stated): gnomAD exomes below 0.00001; TOPMed 0.00002.
gnomAD v4.1: 4 of 1,571,378 alleles (0.00025%); highest among the groups gnomAD compares: Admixed American, 0.0018%; no homozygotes.

Submission:

Labcorp Genetics (formerly Invitae), Labcorp
Classification: Uncertain significance for Catecholaminergic polymorphic ventricular tachycardia 1. Last evaluated: 2026-01-15. Review status: criteria provided, single submitter. Criteria: Invitae Variant Classification Sherloc (09022015). Collection method: clinical testing. Allele origin: germline.
Comment: This sequence change replaces arginine, which is basic and polar, with histidine, which is basic and polar, at codon 4497 of the RYR2 protein (p.Arg4497His). The frequency data for this variant in the population databases is considered unreliable, as metrics indicate poor data quality at this position in the gnomAD database. This missense change has been observed in individual(s) with clinical features of arrhythmogenic cardiomyopathy (internal data). ClinVar contains an entry for this variant (Variation ID: 1410221). Invitae Evidence Modeling of protein sequence and biophysical properties (such as structural, functional, and spatial information, amino acid conservation, physicochemical variation, residue mobility, and thermodynamic stability) indicates that this missense variant is expected to disrupt RYR2 protein function with a positive predictive value of 95%. Algorithms developed to predict the effect of sequence changes on RNA splicing suggest that this variant may disrupt the consensus splice site. This variant disrupts the p.Arg4497 amino acid residue in RYR2. Other variant(s) that disrupt this residue have been determined to be pathogenic (PMID: 11208676, 29434162; internal data). This suggests that this residue is clinically significant, and that variants that disrupt this residue are likely to be disease-causing. In summary, the available evidence is currently insufficient to determine the role of this variant in disease. Therefore, it has been classified as a Variant of Uncertain Significance.

Literature cited by the submitters: PubMed 11208676; PubMed 29434162.